The following is an entry in ClinVar:

ClinVar aggregate classification (germline): Uncertain significance (1 of 4 stars; one submission).

Conditions:
Aortic aneurysm, familial thoracic 4 (AAT4). Also called: AORTIC ANEURYSM/AORTIC DISSECTION AND PATENT DUCTUS ARTERIOSUS. Identifiers: MedGen C1851504, MONDO:0007568, OMIM 132900.

Submission:

Labcorp Genetics (formerly Invitae), Labcorp
Classification: Uncertain significance for Aortic aneurysm, familial thoracic 4. Last evaluated: 2022-04-19. Review status: criteria provided, single submitter. Criteria: Invitae Variant Classification Sherloc (09022015). Collection method: clinical testing. Allele origin: germline.
Comment: In summary, the available evidence is currently insufficient to determine the role of this variant in disease. Therefore, it has been classified as a Variant of Uncertain Significance. Algorithms developed to predict the effect of missense changes on protein structure and function (SIFT, PolyPhen-2, Align-GVGD) all suggest that this variant is likely to be disruptive. This variant has not been reported in the literature in individuals affected with MYH11-related conditions. This variant is not present in population databases (gnomAD no frequency). This sequence change replaces cysteine, which is neutral and slightly polar, with tyrosine, which is neutral and polar, at codon 546 of the MYH11 protein (p.Cys546Tyr).

NM_002474.3(MYH11):c.1616G>A (p.Cys539Tyr)

Gene: MYH11 (myosin heavy chain 11; minus strand). Cytogenetic location: 16p13.11.
Variant type: single nucleotide variant.
Coding change: c.1616G>A on transcript NM_002474.3 (MANE Select); coding-DNA position 1616, G replaced by A.
Protein change: p.Cys539Tyr; replaces cysteine 539 with tyrosine.
Molecular consequence: missense variant.
Genome position (GRCh38, 1-based): chr16:15,756,474, C>T on the plus strand (G>A on the coding strand, the complement: MYH11 is on the minus strand). VCF-style: chr16-15756474-C-T. GRCh37 (hg19) VCF-style: chr16-15850331-C-T.
Other names: c.1637G>A, p.Cys546Tyr (NM_001040113.2, NM_001040114.2); c.1616G>A, p.Cys539Tyr (NM_022844.3); short protein forms C546Y, C539Y.
Identifiers: ClinVar variation 2128072 (VCV002128072.4), dbSNP rs2506359659, ClinGen allele CA394870539.